The following is an entry in ClinVar:

NM_024301.5(FKRP):c.520A>T (p.Ser174Cys)

Gene: FKRP (fukutin related protein; plus strand). Cytogenetic location: 19q13.32.
Variant type: single nucleotide variant.
Coding change: c.520A>T on transcript NM_024301.5 (MANE Select); coding-DNA position 520, A replaced by T.
Protein change: p.Ser174Cys; replaces serine 174 with cysteine.
Molecular consequence: missense variant.
Genome position (GRCh38, 1-based): chr19:46,755,970, A>T. VCF-style: chr19-46755970-A-T. GRCh37 (hg19) VCF-style: chr19-47259227-A-T.
Other names: p.S174C:AGC>TGC; c.520A>T, p.Ser174Cys (NM_001039885.3); short protein forms S174C.
Identifiers: ClinVar variation 96110 (VCV000096110.54), dbSNP rs200990647, ClinGen allele CA200251.
Genomic context (GRCh38, chr19:46,755,970, plus strand): 5'-CGTCTGGTGGCCGCCCCGGTTGCCACGGCCAACCCTGCCAGGTGCCTGGCCCTGAACGTC[A>T]GCCTGCGAGAGTGGACCGCCCGCTATGGCGCAGCCCCCGCCGCGCCCCGCTGCGACGCCC-3'
Protein context (NP_077277.1, residues 164-184): NPARCLALNV[Ser174Cys]LREWTARYGA

ClinVar aggregate classification (germline): Benign/Likely benign. Review status: criteria provided, multiple submitters, no conflicts (2 of 4 stars). 14 submissions from 14 submitters: Benign (10); Likely benign (3). 1 of the submissions does not count toward it. Last evaluated 2026-09-01.

Conditions:
Walker-Warburg congenital muscular dystrophy. Also called: Muscular dystrophy-dystroglycanopathy, type A; Walker-Warburg syndrome. Identifiers: Orphanet 899, MedGen C0265221, MONDO:0000171.
Cardiomyopathy (CMYO). Also called: Cardiomyopathies. Identifiers: Orphanet 167848, MedGen C0878544, MONDO:0004994, HP:0001638. Inheritance: Various modes of inheritance.
Hypertrophic cardiomyopathy. Also called: HYPERTROPHIC MYOCARDIOPATHY. Identifiers: Orphanet 217569, MedGen C0007194, MeSH D002312, MONDO:0005045, HP:0001639.
Cardiovascular phenotype. Identifiers: MedGen CN230736.
Autosomal recessive limb-girdle muscular dystrophy type 2I. Also called: MUSCULAR DYSTROPHY-DYSTROGLYCANOPATHY, LIMB-GIRDLE, FRKP-RELATED; MUSCULAR DYSTROPHY-DYSTROGLYCANOPATHY (LIMB-GIRDLE), TYPE C, 5; MUSCULAR DYSTROPHY, LIMB-GIRDLE, TYPE 2I. Identifiers: Orphanet 34515, MedGen C1846672, MONDO:0011787, OMIM 607155.
Muscular dystrophy-dystroglycanopathy (congenital with brain and eye anomalies), type A5. Also called: WALKER-WARBURG SYNDROME OR MUSCLE-EYE-BRAIN DISEASE, FKRP-RELATED; MUSCULAR DYSTROPHY-DYSTROGLYCANOPATHY (CONGENITAL WITH BRAIN AND EYE ANOMALIES), TYPE A, 5. Identifiers: Orphanet 588, Orphanet 899, MedGen C3150413, MONDO:0013157, OMIM 613153.
Muscular dystrophy-dystroglycanopathy (congenital with brain and eye anomalies), type A1 (MDDGA1). Also called: COD-MD SYNDROME; WALKER-WARBURG SYNDROME OR MUSCLE-EYE-BRAIN DISEASE, POMT1-RELATED; Hydrocephalus, agyria and retinal dysplasia; Hard +/- E syndrome; Warburg syndrome; Chemke syndrome. Identifiers: Orphanet 588, Orphanet 899, MedGen C4284790, MONDO:0009364, OMIM 236670.
Muscular dystrophy-dystroglycanopathy type B5 (MDDGB5). Also called: MUSCULAR DYSTROPHY-DYSTROGLYCANOPATHY (CONGENITAL WITH OR WITHOUT IMPAIRED INTELLECTUAL DEVELOPMENT), TYPE B, 5; MUSCULAR DYSTROPHY, CONGENITAL, 1C; MUSCULAR DYSTROPHY, CONGENITAL, FKRP-RELATED. Identifiers: MedGen C1847759, MONDO:0011688, OMIM 606612.

Allele frequency attached by ClinVar (database versions not stated): ESP Exome Variant Server 0.00061; gnomAD 0.00109; TOPMed 0.00111; gnomAD exomes 0.00356; 1000 Genomes Project 30x 0.00531; 1000 Genomes Project 0.00579; ExAC 0.01177.
gnomAD v4.1: 3,449 of 1,539,596 alleles (0.22%); highest among the groups gnomAD compares: South Asian, 1.5%; 29 homozygotes.

Submissions (14):

CeGaT Center for Human Genetics Tuebingen
Classification: Benign. Last evaluated: 2026-09-01. Review status: criteria provided, single submitter. Criteria: CeGaT Center For Human Genetics Tuebingen Variant Classification Criteria Version 2. Collection method: clinical testing. Allele origin: germline. Affected: yes. Observed: 14 variant alleles.
Comment: FKRP: PP3, BS1, BS2

Labcorp Genetics (formerly Invitae), Labcorp
Classification: Benign for Walker-Warburg congenital muscular dystrophy. Last evaluated: 2026-02-02. Review status: criteria provided, single submitter. Criteria: Invitae Variant Classification Sherloc (09022015). Collection method: clinical testing. Allele origin: germline.

Molecular Diagnostic Laboratory for Inherited Cardiovascular Disease, Montreal Heart Institute
Classification: Benign. Last evaluated: 2025-04-09. Review status: criteria provided, single submitter. Criteria: ACMG Guidelines, 2015. Collection method: clinical testing. Allele origin: germline. Affected: no.

Athena Diagnostics
Classification: Benign. Last evaluated: 2024-09-19. Review status: criteria provided, single submitter. Criteria: Athena Diagnostics Criteria. Collection method: clinical testing. Allele origin: unknown.

Mayo Clinic Laboratories, Mayo Clinic
Classification: Benign. Last evaluated: 2023-04-13. Review status: criteria provided, single submitter. Criteria: ACMG Guidelines, 2015. Collection method: clinical testing. Allele origin: germline. Observed: 12 variant alleles.
Comment: BS1, BS2

Women's Health and Genetics/Laboratory Corporation of America, LabCorp
Classification: Likely benign. Last evaluated: 2022-05-03. Review status: criteria provided, single submitter. Criteria: LabCorp Variant Classification Summary - May 2015. Collection method: clinical testing. Allele origin: germline.

Fulgent Genetics
Classification: Likely benign for Muscular dystrophy-dystroglycanopathy (congenital with brain and eye anomalies), type A1; Muscular dystrophy-dystroglycanopathy type B5; Autosomal recessive limb-girdle muscular dystrophy type 2I; Muscular dystrophy-dystroglycanopathy (congenital with brain and eye anomalies), type A5. Last evaluated: 2022-04-14. Review status: criteria provided, single submitter. Criteria: ACMG Guidelines, 2015. Collection method: clinical testing. Allele origin: unknown.

Ambry Genetics
Classification: Benign for Cardiovascular phenotype. Last evaluated: 2019-04-01. Review status: criteria provided, single submitter. Criteria: Ambry Variant Classification Scheme 2023. Collection method: clinical testing. Allele origin: germline.

Center for Advanced Laboratory Medicine, UC San Diego Health, University of California San Diego
Classification: Benign for Cardiomyopathy; Hypertrophic cardiomyopathy. Last evaluated: 2019-01-10. Review status: criteria provided, single submitter. Criteria: ACMG Guidelines, 2015. Collection method: clinical testing. Allele origin: germline. Affected: yes. Observed: 2 variant alleles.

Genetic Services Laboratory, University of Chicago
Classification: Benign. Last evaluated: 2017-07-26. Review status: criteria provided, single submitter. Criteria: ACMG Guidelines, 2015. Collection method: clinical testing. Allele origin: germline. Affected: no.

GeneDx
Classification: Benign. Last evaluated: 2016-05-11. Review status: criteria provided, single submitter. Criteria: GeneDx Variant Classification (06012015). Collection method: clinical testing. Allele origin: germline. Affected: yes.
Comment: This variant is considered likely benign or benign based on one or more of the following criteria: it is a conservative change, it occurs at a poorly conserved position in the protein, it is predicted to be benign by multiple in silico algorithms, and/or has population frequency not consistent with disease.

Eurofins Ntd Llc (ga)
Classification: Benign. Last evaluated: 2015-03-09. Review status: criteria provided, single submitter. Criteria: EGL Classification Definitions 2015. Collection method: clinical testing. Allele origin: germline. Observed: 3 variant alleles, 3 heterozygotes.

PreventionGenetics, part of Exact Sciences
Classification: Likely benign. Review status: criteria provided, single submitter. Criteria: ACMG Guidelines, 2015. Collection method: clinical testing. Allele origin: germline.

Natera, Inc.
Classification: Benign for Limb-girdle muscular dystrophy type 2I. Last evaluated: 2020-01-10. Review status: no assertion criteria provided. Collection method: clinical testing. Allele origin: germline. Not counted in ClinVar's aggregate classification.

Literature cited by the submitters: PubMed 26990548 (cited by 3 submitters); PubMed 16368217 (cited by 4 submitters); PubMed 21816046 (cited by Athena Diagnostics and Mayo Clinic Laboratories, Mayo Clinic); PubMed 24556424 (cited by Athena Diagnostics and Mayo Clinic Laboratories, Mayo Clinic); PubMed 26923585 (cited by Mayo Clinic Laboratories, Mayo Clinic).